The following is an entry in ClinVar:

NM_001384125.1(BLTP1):c.13387C>T (p.Arg4463Ter)

Gene: BLTP1 (bridge-like lipid transfer protein family member 1; plus strand). Cytogenetic location: 4q27.
Variant type: single nucleotide variant.
Coding change: c.13387C>T on transcript NM_001384125.1 (MANE Select); coding-DNA position 13387, C replaced by T.
Protein change: p.Arg4463Ter; replaces arginine 4463 with a stop codon.
Molecular consequence: nonsense.
Genome position (GRCh38, 1-based): chr4:122,347,773, C>T. VCF-style: chr4-122347773-C-T. GRCh37 (hg19) VCF-style: chr4-123268928-C-T.
Other names: c.13123C>T, p.Arg4375Ter (NM_015312.4); short protein forms R4375*, R4463*.
Identifiers: ClinVar variation 451550 (VCV000451550.5), dbSNP rs1366683564, ClinGen allele CA358089907.

ClinVar aggregate classification (germline): Pathogenic (1 of 4 stars; one submission).

Allele frequency attached by ClinVar (database versions not stated): gnomAD exomes below 0.00001.
gnomAD v4.1: 5 of 1,611,836 alleles (0.00031%); highest among the groups gnomAD compares: African/African-American, 0.0027%; no homozygotes.

Submission:

GeneDx
Classification: Pathogenic. Last evaluated: 2024-07-22. Review status: criteria provided, single submitter. Criteria: GeneDx Variant Classification Process June 2021. Collection method: clinical testing. Allele origin: germline. Affected: yes.
Comment: Nonsense variant predicted to result in protein truncation or nonsense mediated decay in a gene for which loss-of-function is a known mechanism of disease; Not observed at significant frequency in large population cohorts (gnomAD); This variant is associated with the following publications: (PMID: 30906834, 27535533, 37601970)